The following is an entry in ClinVar:

NM_001372044.2(SHANK3):c.500A>G (p.Tyr167Cys)

Gene: SHANK3 (SH3 and multiple ankyrin repeat domains 3; plus strand). Cytogenetic location: 22q13.33.
Variant type: single nucleotide variant.
Coding change: c.500A>G on transcript NM_001372044.2 (MANE Select); coding-DNA position 500, A replaced by G.
Protein change: p.Tyr167Cys; replaces tyrosine 167 with cysteine.
Molecular consequence: missense variant.
Genome position (GRCh38, 1-based): chr22:50,676,629, A>G. VCF-style: chr22-50676629-A-G. GRCh37 (hg19) VCF-style: chr22-51115057-A-G.
Other names: c.275A>G (NM_033517.1); short protein forms Y167C.
Identifiers: ClinVar variation 1314882 (VCV001314882.2), dbSNP rs2146768702, ClinGen allele CA515251906.
Genomic context (GRCh38, chr22:50,676,629, plus strand): 5'-ACTTGCTCAGCCGGGGTGGGGGCATTTTCTCTACCTTTTCTTTATCTGAGCAGTTTCGAT[A>G]CAAGCGGCGAGTTTATGCCCAGAACCTCATCGATGATAAGCAGTTTGCAAAGCTTCACAC-3'
Protein context (NP_001358973.1, residues 157-177): DTPLPYLEFR[Tyr167Cys]KRRVYAQNLI

ClinVar aggregate classification (germline): Uncertain significance (1 of 4 stars; one submission).

Allele frequency attached by ClinVar (database versions not stated): gnomAD exomes below 0.00001.

Submission:

GeneDx
Classification: Uncertain significance. Last evaluated: 2021-04-21. Review status: criteria provided, single submitter. Criteria: GeneDx Variant Classification Process June 2021. Collection method: clinical testing. Allele origin: germline. Affected: yes.
Comment: Not observed in large population cohorts (Lek et al., 2016); In silico analysis supports that this missense variant has a deleterious effect on protein structure/function; Has not been previously published as pathogenic or benign to our knowledge